The following is an entry in ClinVar:

ClinVar aggregate classification (germline): Conflicting classifications of pathogenicity. Review status: criteria provided, conflicting classifications (1 of 4 stars). 2 submissions from 2 submitters: Uncertain significance (1); Likely benign (1). Last evaluated 2023-11-03.

Conditions:
Cardiovascular phenotype. Identifiers: MedGen CN230736.

Allele frequency attached by ClinVar (database versions not stated): ExAC 0.00011; gnomAD exomes 0.00021; TOPMed 0.00044; gnomAD 0.00056 and 0.00060.
gnomAD v4.1: 148 of 1,550,254 alleles (0.0095%); highest among the groups gnomAD compares: Admixed American, 0.27%; 1 homozygote.

Submissions (2):

Ambry Genetics
Classification: Likely benign for Cardiovascular phenotype. Last evaluated: 2023-11-03. Review status: criteria provided, single submitter. Criteria: Ambry Variant Classification Scheme 2023. Collection method: clinical testing. Allele origin: germline.

Labcorp Genetics (formerly Invitae), Labcorp
Classification: Uncertain significance. Last evaluated: 2022-08-09. Review status: criteria provided, single submitter. Criteria: Invitae Variant Classification Sherloc (09022015). Collection method: clinical testing. Allele origin: germline.
Comment: This sequence change replaces threonine, which is neutral and polar, with asparagine, which is neutral and polar, at codon 2216 of the ZNF469 protein (p.Thr2216Asn). This variant is present in population databases (rs771701091, gnomAD 0.1%). This variant has not been reported in the literature in individuals affected with ZNF469-related conditions. ClinVar contains an entry for this variant (Variation ID: 1372374). Algorithms developed to predict the effect of missense changes on protein structure and function (SIFT, PolyPhen-2, Align-GVGD) all suggest that this variant is likely to be tolerated. In summary, the available evidence is currently insufficient to determine the role of this variant in disease. Therefore, it has been classified as a Variant of Uncertain Significance.

NM_001367624.2(ZNF469):c.6731C>A (p.Thr2244Asn)

Gene: ZNF469 (zinc finger protein 469; plus strand). Cytogenetic location: 16q24.2.
Variant type: single nucleotide variant.
Coding change: c.6731C>A on transcript NM_001367624.2 (MANE Select); coding-DNA position 6731, C replaced by A.
Protein change: p.Thr2244Asn; replaces threonine 2244 with asparagine.
Molecular consequence: missense variant.
Genome position (GRCh38, 1-based): chr16:88,434,201, C>A. VCF-style: chr16-88434201-C-A. GRCh37 (hg19) VCF-style: chr16-88500609-C-A.
Other names: NM_001127464.1:c.6647C>A; short protein forms T2244N.
Identifiers: ClinVar variation 1372374 (VCV001372374.4), dbSNP rs771701091, ClinGen allele CA8225174.